The following is an entry in ClinVar:

ClinVar aggregate classification (germline): Uncertain significance (1 of 4 stars; one submission).

Allele frequency attached by ClinVar (database versions not stated): gnomAD exomes 0.00001; TOPMed 0.00003.

Submission:

Labcorp Genetics (formerly Invitae), Labcorp
Classification: Uncertain significance. Last evaluated: 2024-11-18. Review status: criteria provided, single submitter. Criteria: Invitae Variant Classification Sherloc (09022015). Collection method: clinical testing. Allele origin: germline.
Comment: This sequence change replaces proline, which is neutral and non-polar, with leucine, which is neutral and non-polar, at codon 605 of the SLC12A6 protein (p.Pro605Leu). This variant is present in population databases (no rsID available, gnomAD 0.0009%). This missense change has been observed in individual(s) with congenital hydrocephalus (PMID: 31393094). ClinVar contains an entry for this variant (Variation ID: 2198444). Invitae Evidence Modeling of protein sequence and biophysical properties (such as structural, functional, and spatial information, amino acid conservation, physicochemical variation, residue mobility, and thermodynamic stability) indicates that this missense variant is expected to disrupt SLC12A6 protein function with a positive predictive value of 80%. Experimental studies have shown that this missense change affects SLC12A6 function (PMID: 31393094). In summary, the available evidence is currently insufficient to determine the role of this variant in disease. Therefore, it has been classified as a Variant of Uncertain Significance.

Literature cited by the submitters: PubMed 31393094.

NM_001365088.1(SLC12A6):c.1814C>T (p.Pro605Leu)

Gene: SLC12A6 (solute carrier family 12 member 6; minus strand). Cytogenetic location: 15q14.
Variant type: single nucleotide variant.
Coding change: c.1814C>T on transcript NM_001365088.1 (MANE Select); coding-DNA position 1814, C replaced by T.
Protein change: p.Pro605Leu; replaces proline 605 with leucine.
Molecular consequence: missense variant.
Genome position (GRCh38, 1-based): chr15:34,245,703, G>A on the plus strand (C>T on the coding strand, the complement: SLC12A6 is on the minus strand). VCF-style: chr15-34245703-G-A. GRCh37 (hg19) VCF-style: chr15-34537904-G-A.
Other names: c.1637C>T, p.Pro546Leu (NM_001042494.2, NM_001042495.2); c.1787C>T, p.Pro596Leu (NM_001042496.2); c.1769C>T, p.Pro590Leu (NM_001042497.2); c.1661C>T, p.Pro554Leu (NM_005135.2); c.1814C>T, p.Pro605Leu (NM_133647.2); short protein forms P596L, P590L, P546L, P554L, P605L.
Identifiers: ClinVar variation 2198444 (VCV002198444.3), dbSNP rs866730118, ClinGen allele CA268666398.